The following is an entry in ClinVar:

ClinVar aggregate classification (germline): Conflicting classifications of pathogenicity. Review status: criteria provided, conflicting classifications (1 of 4 stars). 6 submissions from 6 submitters: Uncertain significance (1); Likely benign (5). Last evaluated 2025-09-29.

Conditions:
Autosomal recessive nonsyndromic hearing loss 30. Identifiers: Orphanet 90636, MedGen C1846784, MONDO:0011774, OMIM 607101.

Allele frequency attached by ClinVar (database versions not stated): 1000 Genomes Project 0.00020; 1000 Genomes Project 30x 0.00031; gnomAD exomes 0.00049 and 0.00057; ExAC 0.00054; gnomAD 0.00068 and 0.00069; ESP Exome Variant Server 0.00085; TOPMed 0.00095.
gnomAD v4.1: 937 of 1,609,764 alleles (0.058%); highest among the groups gnomAD compares: Middle Eastern, 0.13%; 1 homozygote.

Submissions (6):

Labcorp Genetics (formerly Invitae), Labcorp
Classification: Likely benign. Last evaluated: 2025-09-29. Review status: criteria provided, single submitter. Criteria: Invitae Variant Classification Sherloc (09022015). Collection method: clinical testing. Allele origin: germline.

Blueprint Genetics
Classification: Likely benign. Last evaluated: 2024-11-19. Review status: criteria provided, single submitter. Criteria: ACMG Guidelines, 2015. Collection method: clinical testing. Allele origin: germline.

CeGaT Center for Human Genetics Tuebingen
Classification: Likely benign. Last evaluated: 2023-01-01. Review status: criteria provided, single submitter. Criteria: CeGaT Center For Human Genetics Tuebingen Variant Classification Criteria Version 2. Collection method: clinical testing. Allele origin: germline. Affected: yes. Observed: 2 variant alleles.
Comment: MYO3A: BP4, BP7

GeneDx
Classification: Likely benign. Last evaluated: 2021-05-27. Review status: criteria provided, single submitter. Criteria: GeneDx Variant Classification Process June 2021. Collection method: clinical testing. Allele origin: germline. Affected: yes.

Illumina Laboratory Services, Illumina
Classification: Uncertain significance for Autosomal recessive nonsyndromic hearing loss 30. Last evaluated: 2018-01-12. Review status: criteria provided, single submitter. Criteria: ICSL Variant Classification Criteria 13 December 2019. Collection method: clinical testing. Allele origin: germline.

Laboratory for Molecular Medicine, Mass General Brigham Personalized Medicine
Classification: Likely benign. Last evaluated: 2015-05-03. Review status: criteria provided, single submitter. Criteria: LMM Criteria. Collection method: clinical testing. Allele origin: germline. Observed: 1 variant allele.
Comment: p.Arg1243Arg in exon 30 of MYO3A: This variant is not expected to have clinical significance because it does not alter an amino acid residue and is not located within the splice consensus sequence. It has been identified in 0.1% (51/66154) of European chromosomes by the Exome Aggregation Consortium (ExAC; dbSNP rs146832858).

NM_017433.5(MYO3A):c.3729G>A (p.Arg1243=)

Gene: MYO3A (myosin IIIA; plus strand). Cytogenetic location: 10p12.1.
Variant type: single nucleotide variant.
Coding change: c.3729G>A on transcript NM_017433.5 (MANE Select); coding-DNA position 3729, G replaced by A.
Protein change: p.Arg1243=; no amino-acid change (arginine 1243 retained).
Molecular consequence: synonymous variant.
Genome position (GRCh38, 1-based): chr10:26,173,993, G>A. VCF-style: chr10-26173993-G-A. GRCh37 (hg19) VCF-style: chr10-26462922-G-A.
Identifiers: ClinVar variation 227666 (VCV000227666.43), dbSNP rs146832858, ClinGen allele CA5445318.